The following is an entry in ClinVar:

ClinVar aggregate classification (germline): Likely benign. Review status: criteria provided, multiple submitters, no conflicts (2 of 4 stars). 2 submissions from 2 submitters: Likely benign (2). Last evaluated 2024-12-01.

Conditions:
PMM2-congenital disorder of glycosylation. Also called: CARBOHYDRATE-DEFICIENT GLYCOPROTEIN SYNDROME, TYPE Ia; CDG Ia; PMM2-CDG; Congenital disorder of glycosylation, type Ia; JAEKEN SYNDROME; PHOSPHOMANNOMUTASE 2 DEFICIENCY. Identifiers: Orphanet 79318, MedGen C0349653, MONDO:0008907, OMIM 212065.

Allele frequency attached by ClinVar (database versions not stated): gnomAD 0.00001; gnomAD exomes 0.00001 and 0.00002; TOPMed 0.00001.
gnomAD v4.1: 33 of 1,608,320 alleles (0.0021%); highest among the groups gnomAD compares: Non-Finnish European, 0.0024%; no homozygotes.

Submissions (2):

CeGaT Center for Human Genetics Tuebingen
Classification: Likely benign. Last evaluated: 2024-12-01. Review status: criteria provided, single submitter. Criteria: CeGaT Center For Human Genetics Tuebingen Variant Classification Criteria Version 2. Collection method: clinical testing. Allele origin: germline. Affected: yes. Observed: 1 variant allele.
Comment: PMM2: BP4, BP7

Labcorp Genetics (formerly Invitae), Labcorp
Classification: Likely benign for PMM2-congenital disorder of glycosylation. Last evaluated: 2024-11-21. Review status: criteria provided, single submitter. Criteria: Invitae Variant Classification Sherloc (09022015). Collection method: clinical testing. Allele origin: germline.

NM_000303.3(PMM2):c.240A>G (p.Lys80=)

Gene: PMM2 (phosphomannomutase 2; plus strand). Cytogenetic location: 16p13.2.
Variant type: single nucleotide variant.
Coding change: c.240A>G on transcript NM_000303.3 (MANE Select); coding-DNA position 240, A replaced by G.
Protein change: p.Lys80=; no amino-acid change (lysine 80 retained).
Molecular consequence: synonymous variant.
Genome position (GRCh38, 1-based): chr16:8,804,828, A>G. VCF-style: chr16-8804828-A-G. GRCh37 (hg19) VCF-style: chr16-8898685-A-G.
Identifiers: ClinVar variation 1088167 (VCV001088167.22), dbSNP rs748552663, ClinGen allele CA277488402.